The following is an entry in ClinVar:

ClinVar aggregate classification (germline): Uncertain significance. Review status: criteria provided, multiple submitters, no conflicts (2 of 4 stars). 2 submissions from 2 submitters: Uncertain significance (2). Last evaluated 2022-07-19.

Conditions:
Muscular dystrophy-dystroglycanopathy (congenital with impaired intellectual development), type B, 14. Also called: Congenital muscular dystrophy-dystroglycanopathy with mental retardation, type B14; Muscular dystrophy-dystroglycanopathy (congenital with intellectual disability), type B14; MUSCULAR DYSTROPHY, CONGENITAL, GMPPB-RELATED. Identifiers: MedGen C3809221, MONDO:0014141, OMIM 615351.
Autosomal recessive limb-girdle muscular dystrophy type 2T. Also called: Limb-girdle muscular dystrophy-dystroglycanopathy, type C14; MUSCULAR DYSTROPHY, LIMB-GIRDLE, TYPE 2T; Muscular dystrophy-dystroglycanopathy (limb-girdle), type c, 14; MUSCULAR DYSTROPHY-DYSTROGLYCANOPATHY, LIMB-GIRDLE, GMPPB-RELATED. Identifiers: Orphanet 363623, MedGen C4518000, MONDO:0014142, OMIM 615352.
Muscular dystrophy-dystroglycanopathy (congenital with brain and eye anomalies), type A14. Also called: Congenital Muscular Dystrophy-Dystroglycanopathy with Brain and Eye Anomalies Type A 14; Congenital muscular dystrophy-dystroglycanopathy with brain and eye anomalies, type A14; Muscular dystrophy-dystroglycanopathy (congenital with brain and eye anomalies), type a, 14; WALKER-WARBURG SYNDROME OR MUSCLE-EYE-BRAIN DISEASE, GMPPB-RELATED. Identifiers: Orphanet 588, MedGen C3809216, MONDO:0014140, OMIM 615350.

Allele frequency attached by ClinVar (database versions not stated): gnomAD 0.00001; gnomAD exomes below 0.00001.
gnomAD v4.1: 4 of 1,581,180 alleles (0.00025%); highest among the groups gnomAD compares: Admixed American, 0.0018%; no homozygotes.

Submissions (2):

Labcorp Genetics (formerly Invitae), Labcorp
Classification: Uncertain significance for Autosomal recessive limb-girdle muscular dystrophy type 2T; Muscular dystrophy-dystroglycanopathy (congenital with brain and eye anomalies), type A14; Muscular dystrophy-dystroglycanopathy (congenital with impaired intellectual development), type B, 14. Last evaluated: 2022-07-19. Review status: criteria provided, single submitter. Criteria: Invitae Variant Classification Sherloc (09022015). Collection method: clinical testing. Allele origin: germline.
Comment: In summary, the available evidence is currently insufficient to determine the role of this variant in disease. Therefore, it has been classified as a Variant of Uncertain Significance. Advanced modeling of protein sequence and biophysical properties (such as structural, functional, and spatial information, amino acid conservation, physicochemical variation, residue mobility, and thermodynamic stability) performed at Invitae indicates that this missense variant is expected to disrupt GMPPB protein function. ClinVar contains an entry for this variant (Variation ID: 1313532). This variant has not been reported in the literature in individuals affected with GMPPB-related conditions. The frequency data for this variant in the population databases is considered unreliable, as metrics indicate poor data quality at this position in the gnomAD database. This sequence change replaces proline, which is neutral and non-polar, with serine, which is neutral and polar, at codon 24 of the GMPPB protein (p.Pro24Ser).

GeneDx
Classification: Uncertain significance. Last evaluated: 2020-10-22. Review status: criteria provided, single submitter. Criteria: GeneDx Variant Classification Process June 2021. Collection method: clinical testing. Allele origin: germline. Affected: yes.
Comment: Not observed at a significant frequency in large population cohorts (Lek et al., 2016); In silico analysis supports that this missense variant has a deleterious effect on protein structure/function; Has not been previously published as pathogenic or benign to our knowledge

NM_021971.4(GMPPB):c.70C>T (p.Pro24Ser)

Gene: GMPPB (GDP-mannose pyrophosphorylase B; minus strand). Cytogenetic location: 3p21.31.
Variant type: single nucleotide variant.
Coding change: c.70C>T on transcript NM_021971.4 (MANE Select); coding-DNA position 70, C replaced by T.
Protein change: p.Pro24Ser; replaces proline 24 with serine.
Molecular consequence: missense variant.
Genome position (GRCh38, 1-based): chr3:49,723,657, G>A on the plus strand (C>T on the coding strand, the complement: GMPPB is on the minus strand). VCF-style: chr3-49723657-G-A. GRCh37 (hg19) VCF-style: chr3-49761090-G-A.
Other names: c.70C>T, p.Pro24Ser (NM_013334.4); short protein forms P24S.
Identifiers: ClinVar variation 1313532 (VCV001313532.9), dbSNP rs1310563727, ClinGen allele CA352831665.
Genomic context (GRCh38, chr3:49,723,657, plus strand): 5'-CCGCGGCTAGCGCCTCCACTTGGTGCAGCAAGATGGGCTTATTGCAGAAGTCCACCAGTG[G>A]CTTCGGGGTGCTCAGCGTCAGCGGCCGTAGCCGCGTCCCATAGCCCCCCACTAAGATCAG-3'
Protein context (NP_068806.2, residues 14-34): LRPLTLSTPK[Pro24Ser]LVDFCNKPIL